The following is an entry in ClinVar:

ClinVar aggregate classification (germline): Uncertain significance (1 of 4 stars; one submission).

Conditions:
Childhood apraxia of speech (SPCH1). Also called: DEVELOPMENTAL VERBAL DYSPRAXIA; SPEECH AND LANGUAGE DISORDER WITH OROFACIAL DYSPRAXIA; Speech language disorder; FOXP2-Related Speech and Language Disorder. Identifiers: Orphanet 209908, MedGen C0750927, MONDO:0011184, OMIM 602081.

Allele frequency attached by ClinVar (database versions not stated): gnomAD 0.00001; gnomAD exomes 0.00001; TOPMed 0.00002; 1000 Genomes Project 0.00020; 1000 Genomes Project 30x 0.00031.
gnomAD v4.1: 32 of 1,613,952 alleles (0.002%); highest among the groups gnomAD compares: African/African-American, 0.0027%; no homozygotes.

Submission:

Baylor Genetics
Classification: Uncertain significance for Childhood apraxia of speech. Last evaluated: 2019-03-19. Review status: criteria provided, single submitter. Criteria: ACMG Guidelines, 2015. Collection method: clinical testing. Allele origin: paternal. Affected: yes.
Comment: This variant was determined to be of uncertain significance according to ACMG Guidelines, 2015 [PMID:25741868].

NM_014491.4(FOXP2):c.1352C>T (p.Thr451Met)

Gene: FOXP2 (forkhead box P2; plus strand). Cytogenetic location: 7q31.1.
Variant type: single nucleotide variant.
Coding change: c.1352C>T on transcript NM_014491.4 (MANE Select); coding-DNA position 1352, C replaced by T.
Protein change: p.Thr451Met; replaces threonine 451 with methionine.
Molecular consequence: missense variant. On other transcripts: non-coding transcript variant (1).
Genome position (GRCh38, 1-based): chr7:114,658,151, C>T. VCF-style: chr7-114658151-C-T. GRCh37 (hg19) VCF-style: chr7-114298206-C-T.
Other names: c.1349C>T, p.Thr450Met (NM_001172766.3); c.1427C>T, p.Thr476Met (NM_148898.4); c.1403C>T, p.Thr468Met (NM_148900.4); short protein forms T450M, T451M, T468M, T476M.
Identifiers: ClinVar variation 1029279 (VCV001029279.1), dbSNP rs199776572, ClinGen allele CA164881244.